The following is an entry in ClinVar:

ClinVar aggregate classification (germline): Uncertain significance. Review status: criteria provided, multiple submitters, no conflicts (2 of 4 stars). 2 submissions from 2 submitters: Uncertain significance (2). Last evaluated 2025-08-25.

Conditions:
Inborn genetic diseases. Identifiers: MedGen C0950123, MeSH D030342.

Allele frequency attached by ClinVar (database versions not stated): ESP Exome Variant Server 0.00015; 1000 Genomes Project 30x 0.00016.
gnomAD v4.1: 127 of 1,613,984 alleles (0.0079%); highest among the groups gnomAD compares: African/African-American, 0.047%; no homozygotes.

Submissions (2):

Ambry Genetics
Classification: Uncertain significance for Inborn genetic diseases. Last evaluated: 2025-08-25. Review status: criteria provided, single submitter. Criteria: Ambry Variant Classification Scheme 2023. Collection method: clinical testing. Allele origin: germline.

Labcorp Genetics (formerly Invitae), Labcorp
Classification: Uncertain significance. Last evaluated: 2022-08-16. Review status: criteria provided, single submitter. Criteria: Invitae Variant Classification Sherloc (09022015). Collection method: clinical testing. Allele origin: germline.
Comment: This sequence change replaces proline, which is neutral and non-polar, with alanine, which is neutral and non-polar, at codon 19 of the HPSE2 protein (p.Pro19Ala). This variant is present in population databases (rs78935940, gnomAD 0.05%). This variant has not been reported in the literature in individuals affected with HPSE2-related conditions. Algorithms developed to predict the effect of missense changes on protein structure and function (SIFT, PolyPhen-2, Align-GVGD) all suggest that this variant is likely to be tolerated. In summary, the available evidence is currently insufficient to determine the role of this variant in disease. Therefore, it has been classified as a Variant of Uncertain Significance.

NM_021828.5(HPSE2):c.55C>G (p.Pro19Ala)

Gene: HPSE2 (heparanase 2 (inactive); minus strand). Cytogenetic location: 10q24.2.
Variant type: single nucleotide variant.
Coding change: c.55C>G on transcript NM_021828.5 (MANE Select); coding-DNA position 55, C replaced by G.
Protein change: p.Pro19Ala; replaces proline 19 with alanine.
Molecular consequence: missense variant.
Genome position (GRCh38, 1-based): chr10:99,235,748, G>C on the plus strand (C>G on the coding strand, the complement: HPSE2 is on the minus strand). VCF-style: chr10-99235748-G-C. GRCh37 (hg19) VCF-style: chr10-100995505-G-C.
Other names: c.55C>G, p.Pro19Ala (NM_001166244.1, NM_001166245.1, NM_001166246.1); short protein forms P19A.
Identifiers: ClinVar variation 2084896 (VCV002084896.3), dbSNP rs78935940, ClinGen allele CA5640090.